The following is an entry in ClinVar:

NM_001261826.3(AP3D1):c.3523G>C (p.Gly1175Arg)

Gene: AP3D1 (adaptor related protein complex 3 subunit delta 1; minus strand). Cytogenetic location: 19p13.3.
Variant type: single nucleotide variant.
Coding change: c.3523G>C on transcript NM_001261826.3 (MANE Select); coding-DNA position 3523, G replaced by C.
Protein change: p.Gly1175Arg; replaces glycine 1175 with arginine.
Molecular consequence: missense variant.
Genome position (GRCh38, 1-based): chr19:2,108,716, C>G on the plus strand (G>C on the coding strand, the complement: AP3D1 is on the minus strand). VCF-style: chr19-2108716-C-G. GRCh37 (hg19) VCF-style: chr19-2108715-C-G.
Other names: c.3487G>C, p.Gly1163Arg (NM_001374799.1); c.3337G>C, p.Gly1113Arg (NM_003938.8); short protein forms G1163R, G1175R, G1113R.
Identifiers: ClinVar variation 2980560 (VCV002980560.3), dbSNP rs2018179466, ClinGen allele CA403199528.

ClinVar aggregate classification (germline): Uncertain significance (1 of 4 stars; one submission).

Allele frequency attached by ClinVar (database versions not stated): gnomAD exomes below 0.00001; TOPMed below 0.00001.
gnomAD v4.1: 1 of 1,584,346 alleles (0.000063%); highest among the groups gnomAD compares: African/African-American, 0.0013%; no homozygotes.

Submission:

Labcorp Genetics (formerly Invitae), Labcorp
Classification: Uncertain significance. Last evaluated: 2023-08-27. Review status: criteria provided, single submitter. Criteria: Invitae Variant Classification Sherloc (09022015). Collection method: clinical testing. Allele origin: germline.
Comment: In summary, the available evidence is currently insufficient to determine the role of this variant in disease. Therefore, it has been classified as a Variant of Uncertain Significance. An algorithm developed to predict the effect of missense changes on protein structure and function (PolyPhen-2) suggests that this variant is likely to be tolerated. This variant has not been reported in the literature in individuals affected with AP3D1-related conditions. This variant is not present in population databases (gnomAD no frequency). This sequence change replaces glycine, which is neutral and non-polar, with arginine, which is basic and polar, at codon 1175 of the AP3D1 protein (p.Gly1175Arg).